The following is an entry in ClinVar:

NM_002474.3(MYH11):c.5477T>G (p.Leu1826Arg)

Genes: NDE1 (nudE neurodevelopment protein 1; plus strand), MYH11 (myosin heavy chain 11; minus strand). Cytogenetic location: 16p13.11.
Variant type: single nucleotide variant.
Coding change: c.5477T>G on transcript NM_002474.3 (MANE Select); coding-DNA position 5477, T replaced by G.
Protein change: p.Leu1826Arg; replaces leucine 1826 with arginine.
Molecular consequence: missense variant. On other transcripts: intron variant (2).
Genome position (GRCh38, 1-based): chr16:15,717,167, A>C on the plus strand (T>G on the coding strand, the complement: MYH11 is on the minus strand). VCF-style: chr16-15717167-A-C. GRCh37 (hg19) VCF-style: chr16-15811024-A-C.
Other names: c.5498T>G, p.Leu1833Arg (NM_001040113.2, NM_001040114.2); c.5477T>G, p.Leu1826Arg (NM_022844.3); c.948-7024A>C (NM_001143979.2, NM_017668.3); c.5477T>G (NM_002474.2); short protein forms L1826R, L1833R.
Identifiers: ClinVar variation 3387165 (VCV003387165.2).

ClinVar aggregate classification (germline): Uncertain significance. Review status: criteria provided, multiple submitters, no conflicts (2 of 4 stars). 2 submissions from 2 submitters: Uncertain significance (2). Last evaluated 2024-12-09.

Conditions:
Familial thoracic aortic aneurysm and aortic dissection (TAAD). Also called: Thoracic aortic aneurysms and dissections. Identifiers: Orphanet 91387, MedGen C4707243, MONDO:0019625.

gnomAD v4.1: 3 of 1,613,996 alleles (0.00019%); highest among the groups gnomAD compares: African/African-American, 0.004%; no homozygotes.

Submissions (2):

GeneDx
Classification: Uncertain significance. Last evaluated: 2024-12-09. Review status: criteria provided, single submitter. Criteria: GeneDx Variant Classification Process June 2021. Collection method: clinical testing. Allele origin: germline. Affected: yes.
Comment: Not observed at significant frequency in large population cohorts (gnomAD); In silico analysis supports that this missense variant has a deleterious effect on protein structure/function; Has not been previously published as pathogenic or benign to our knowledge

All of Us Research Program, National Institutes of Health
Classification: Uncertain significance for Familial thoracic aortic aneurysm and aortic dissection. Last evaluated: 2024-04-25. Review status: criteria provided, single submitter. Criteria: ACMG Guidelines, 2015. Collection method: clinical testing. Allele origin: germline. Inheritance: Autosomal dominant inheritance. Observed: 1 variant allele, 1 heterozygote.
Comment: This missense variant replaces leucine with arginine at codon 1833 of the MYH11 protein. Computational prediction suggests that this variant may have deleterious impact on protein structure and function (internally defined REVEL score threshold >= 0.7, PMID: 27666373). To our knowledge, functional studies have not been reported for this variant. This variant has not been reported in individuals affected with MYH11-related disorders in the literature. This variant has been identified in 3/251282 chromosomes in the general population by the Genome Aggregation Database (gnomAD). The available evidence is insufficient to determine the role of this variant in disease conclusively. Therefore, this variant is classified as a Variant of Uncertain Significance.

This study involves interpretation of variants in research participants for the purpose of population health screening. Participant phenotype was not available at the time of variant classification. Additional details can be found in publication PMID: 35346344, PMCID: PMC8962531